The following is an entry in ClinVar:

ClinVar aggregate classification (germline): Uncertain significance. Review status: criteria provided, multiple submitters, no conflicts (2 of 4 stars). 2 submissions from 2 submitters: Uncertain significance (2). Last evaluated 2024-06-03.

Allele frequency attached by ClinVar (database versions not stated): gnomAD 0.00003; ExAC 0.00004; TOPMed 0.00004; 1000 Genomes Project 30x 0.00016; 1000 Genomes Project 0.00020.
gnomAD v4.1: 70 of 1,614,126 alleles (0.0043%); highest among the groups gnomAD compares: Middle Eastern, 0.12%; no homozygotes.

Submissions (2):

Ambry Genetics
Classification: Uncertain significance. Last evaluated: 2024-06-03. Review status: criteria provided, single submitter. Criteria: Ambry Variant Classification Scheme 2023. Collection method: clinical testing. Allele origin: germline.

Labcorp Genetics (formerly Invitae), Labcorp
Classification: Uncertain significance. Last evaluated: 2023-01-30. Review status: criteria provided, single submitter. Criteria: Invitae Variant Classification Sherloc (09022015). Collection method: clinical testing. Allele origin: germline.
Comment: This sequence change replaces alanine, which is neutral and non-polar, with aspartic acid, which is acidic and polar, at codon 77 of the PTH protein (p.Ala77Asp). This variant is present in population databases (rs201237944, gnomAD 0.01%). This variant has not been reported in the literature in individuals affected with PTH-related conditions. Algorithms developed to predict the effect of missense changes on protein structure and function output the following: SIFT: "Not Available"; PolyPhen-2: "Benign"; Align-GVGD: "Not Available". The aspartic acid amino acid residue is found in multiple mammalian species, which suggests that this missense change does not adversely affect protein function. In summary, the available evidence is currently insufficient to determine the role of this variant in disease. Therefore, it has been classified as a Variant of Uncertain Significance.

NM_000315.4(PTH):c.230C>A (p.Ala77Asp)

Gene: PTH (parathyroid hormone; minus strand). Cytogenetic location: 11p15.3.
Variant type: single nucleotide variant.
Coding change: c.230C>A on transcript NM_000315.4 (MANE Select); coding-DNA position 230, C replaced by A.
Protein change: p.Ala77Asp; replaces alanine 77 with aspartic acid.
Molecular consequence: missense variant.
Genome position (GRCh38, 1-based): chr11:13,492,523, G>T on the plus strand (C>A on the coding strand, the complement: PTH is on the minus strand). VCF-style: chr11-13492523-G-T. GRCh37 (hg19) VCF-style: chr11-13514070-G-T.
Other names: c.326C>A, p.Ala109Asp (NM_001316352.2); short protein forms A109D, A77D.
Identifiers: ClinVar variation 2401901 (VCV002401901.6), dbSNP rs201237944, ClinGen allele CA5893172.